The following is an entry in ClinVar:

ClinVar aggregate classification (germline): Uncertain significance (1 of 4 stars; one submission).

Allele frequency attached by ClinVar (database versions not stated): ExAC 0.00001; gnomAD exomes 0.00001; TOPMed 0.00003.
gnomAD v4.1: 26 of 1,614,004 alleles (0.0016%); highest among the groups gnomAD compares: Middle Eastern, 0.016%; no homozygotes.

Submission:

Labcorp Genetics (formerly Invitae), Labcorp
Classification: Uncertain significance. Last evaluated: 2023-08-02. Review status: criteria provided, single submitter. Criteria: Invitae Variant Classification Sherloc (09022015). Collection method: clinical testing. Allele origin: germline.
Comment: This sequence change replaces asparagine, which is neutral and polar, with serine, which is neutral and polar, at codon 249 of the FNIP1 protein (p.Asn249Ser). This variant is present in population databases (rs201209029, gnomAD 0.004%). This variant has not been reported in the literature in individuals affected with FNIP1-related conditions. An algorithm developed to predict the effect of missense changes on protein structure and function (PolyPhen-2) suggests that this variant is likely to be tolerated. In summary, the available evidence is currently insufficient to determine the role of this variant in disease. Therefore, it has been classified as a Variant of Uncertain Significance.

NM_133372.3(FNIP1):c.746A>G (p.Asn249Ser)

Gene: FNIP1 (folliculin interacting protein 1; minus strand). Cytogenetic location: 5q31.1.
Variant type: single nucleotide variant.
Coding change: c.746A>G on transcript NM_133372.3 (MANE Select); coding-DNA position 746, A replaced by G.
Protein change: p.Asn249Ser; replaces asparagine 249 with serine.
Molecular consequence: missense variant.
Genome position (GRCh38, 1-based): chr5:131,709,233, T>C on the plus strand (A>G on the coding strand, the complement: FNIP1 is on the minus strand). VCF-style: chr5-131709233-T-C. GRCh37 (hg19) VCF-style: chr5-131044926-T-C.
Other names: c.662A>G, p.Asn221Ser (NM_001008738.3); c.746A>G, p.Asn249Ser (NM_001346113.2); c.611A>G, p.Asn204Ser (NM_001346114.2); short protein forms N204S, N221S, N249S.
Identifiers: ClinVar variation 2972019 (VCV002972019.3), dbSNP rs201209029, ClinGen allele CA3400821.